The following is an entry in ClinVar:

NC_012920.1(MT-TS1):m.7501T>C

Gene: MT-TS1 (mitochondrially encoded tRNA serine 1 (UCN); minus strand).
Variant type: single nucleotide variant.
Genome position: chrM-7501-T-C.
Identifiers: ClinVar variation 690034 (VCV000690034.1), dbSNP rs1556423303, ClinGen allele CA913177229.

ClinVar aggregate classification (germline): Benign (1 of 4 stars; one submission).

Conditions:
MELAS syndrome (MELAS). Also called: Juvenile myopathy, encephalopathy, lactic acidosis, stroke. Identifiers: Orphanet 550, MedGen C0162671, MONDO:0010789, OMIM 540000.

Submission:

Wong Mito Lab, Molecular and Human Genetics, Baylor College of Medicine
Classification: Benign for MELAS syndrome. Last evaluated: 2019-07-12. Review status: criteria provided, single submitter. Criteria: Modified ACMG Guidelines (Unpublished). Collection method: clinical testing. Allele origin: germline.
Comment: The NC_012920.1:m.7501T>C variant in MT-TS1 gene is interpreted to be a Benign variant based on the modified ACMG guidelines (unpublished). This variant meets the following evidence codes reported in the guidelines: BS1, BS2, BP4

Literature cited by the submitters: PubMed 31965079.